The following is an entry in ClinVar:

NM_017617.5(NOTCH1):c.865+11G>A

Gene: NOTCH1 (notch receptor 1; minus strand). Cytogenetic location: 9q34.3.
Variant type: single nucleotide variant.
Coding change: c.865+11G>A on transcript NM_017617.5 (MANE Select); 11 bases into the intron after coding-DNA position 865, G replaced by A.
Molecular consequence: intron variant.
Genome position (GRCh38, 1-based): chr9:136,519,432, C>T on the plus strand (G>A on the coding strand, the complement: NOTCH1 is on the minus strand). VCF-style: chr9-136519432-C-T. GRCh37 (hg19) VCF-style: chr9-139413884-C-T.
Identifiers: ClinVar variation 2189421 (VCV002189421.4), dbSNP rs919195332, ClinGen allele CA2579519305.

ClinVar aggregate classification (germline): Uncertain significance (1 of 4 stars; one submission).

Conditions:
Adams-Oliver syndrome 5 (AOS5). Identifiers: Orphanet 974, MedGen C4014970, MONDO:0014459, OMIM 616028.

gnomAD v4.1: 8 of 1,612,698 alleles (0.0005%); highest among the groups gnomAD compares: Middle Eastern, 0.016%; no homozygotes.

Submission:

Labcorp Genetics (formerly Invitae), Labcorp
Classification: Uncertain significance for Adams-Oliver syndrome 5. Last evaluated: 2025-02-20. Review status: criteria provided, single submitter. Criteria: Invitae Variant Classification Sherloc (09022015). Collection method: clinical testing. Allele origin: germline.
Comment: This sequence change falls in intron 5 of the NOTCH1 gene. It does not directly change the encoded amino acid sequence of the NOTCH1 protein. This variant is not present in population databases (gnomAD no frequency). This variant has not been reported in the literature in individuals affected with NOTCH1-related conditions. ClinVar contains an entry for this variant (Variation ID: 2189421). Algorithms developed to predict the effect of sequence changes on RNA splicing suggest that this variant may disrupt the consensus splice site. In summary, the available evidence is currently insufficient to determine the role of this variant in disease. Therefore, it has been classified as a Variant of Uncertain Significance.